The following is an entry in ClinVar:

NM_001378477.3(NYX):c.506_514delinsCGC (p.Val169_Ala172delinsAlaPro)

Gene: NYX (nyctalopin; plus strand). Cytogenetic location: Xp11.4.
Variant type: Indel.
Coding change: c.506_514delinsCGC on transcript NM_001378477.3 (MANE Select); coding-DNA positions 506 to 514, TGCCGGGCG replaced by CGC.
Protein change: p.Val169_Ala172delinsAlaPro.
Molecular consequence: inframe indel.
Genome position (GRCh38, 1-based): chrX:41,473,974-41,473,982, TGCCGGGCG replaced by CGC. VCF-style: chrX-41473974-TGCCGGGCG-CGC. GRCh37 (hg19) VCF-style: chrX-41333227-TGCCGGGCG-CGC.
Other names: c.506_514delinsCGC, p.Val169_Ala172delinsAlaPro (NM_022567.3).
Identifiers: ClinVar variation 5008621 (VCV005008621.1).

ClinVar aggregate classification (germline): Uncertain significance (1 of 4 stars; one submission).

Submission:

GeneDx
Classification: Uncertain significance. Last evaluated: 2026-02-13. Review status: criteria provided, single submitter. Criteria: GeneDx Variant Classification Process June 2021. Collection method: clinical testing. Allele origin: germline.
Comment: Not observed at significant frequency in large population cohorts (gnomAD); In-frame deletion of 4 amino acid(s) and insertion of 2 different amino acid(s) in a non-repeat region; In silico analysis supports a deleterious effect on protein structure/function; Has not been previously published as pathogenic or benign to our knowledge